The following is an entry in ClinVar:

NM_006005.3(WFS1):c.964CAC[1] (p.His323del)

Gene: WFS1 (wolframin ER transmembrane glycoprotein; plus strand). Cytogenetic location: 4p16.1.
Variant type: Microsatellite.
Coding change: c.964CAC[1] on transcript NM_006005.3 (MANE Select); one copy of the 3-base unit CAC starting at c.964; the reference has two copies in a row; one copy, 3 bases deleted.
Protein change: p.His323del; deletes histidine 323.
Molecular consequence: inframe deletion.
Genome position (GRCh38, 1-based): chr4:6,300,762-6,300,764, CAC deleted; deleting any 3 consecutive bases within chr4:6,300,759-6,300,764 gives the same sequence; the position shown is the placement nearest the transcript's 3' end. VCF-style (leftmost placement, unchanged base first): chr4-6300758-GCAC-G. GRCh37 (hg19) VCF-style: chr4-6302485-GCAC-G.
Other names: c.964CAC[1], p.His323del (NM_001145853.1); short protein forms H323del.
Identifiers: ClinVar variation 1351062 (VCV001351062.7), dbSNP rs759111963, ClinGen allele CA2839171.

ClinVar aggregate classification (germline): Uncertain significance. Review status: criteria provided, multiple submitters, no conflicts (2 of 4 stars). 3 submissions from 3 submitters: Uncertain significance (3). Last evaluated 2025-01-23.

Conditions:
Autosomal dominant nonsyndromic hearing loss 6 (LFSNHL). Also called: DEAFNESS, AUTOSOMAL DOMINANT 6; Autosomal dominant nonsyndromic deafness 6; DEAFNESS, AUTOSOMAL DOMINANT 14; DEAFNESS, AUTOSOMAL DOMINANT 38. Identifiers: Orphanet 90635, MedGen C1833021, MONDO:0010963, OMIM 600965.
Type 2 diabetes mellitus. Also called: Type II diabetes mellitus. Identifiers: MedGen C0011860, MeSH D003924, MONDO:0005148, OMIM 125853, HP:0005978.
Wolfram-like syndrome. Also called: HEARING LOSS, PROGRESSIVE, WITH OPTIC ATROPHY AND/OR IMPAIRED GLUCOSE REGULATION. Identifiers: Orphanet 411590, MedGen C3280358, MONDO:0013673, OMIM 614296.
Cataract 41 (CTRCT41). Also called: CATARACT 41, CONGENITAL NUCLEAR TYPE. Identifiers: Orphanet 91492, Orphanet 98991, Orphanet 98992, Orphanet 98995, MedGen C3805412, MONDO:0007287, OMIM 116400.
Wolfram syndrome 1 (WFS1). Identifiers: Orphanet 3463, MedGen C4551693, MONDO:0009101, OMIM 222300.

Submissions (3):

Labcorp Genetics (formerly Invitae), Labcorp
Classification: Uncertain significance. Last evaluated: 2025-01-23. Review status: criteria provided, single submitter. Criteria: Invitae Variant Classification Sherloc (09022015). Collection method: clinical testing. Allele origin: germline.
Comment: This variant, c.967_969del, results in the deletion of 1 amino acid(s) of the WFS1 protein (p.His323del), but otherwise preserves the integrity of the reading frame. This variant is present in population databases (rs759111963, gnomAD 0.02%). This variant has not been reported in the literature in individuals affected with WFS1-related conditions. Experimental studies and prediction algorithms are not available or were not evaluated, and the functional significance of this variant is currently unknown. In summary, the available evidence is currently insufficient to determine the role of this variant in disease. Therefore, it has been classified as a Variant of Uncertain Significance.

Blueprint Genetics
Classification: Uncertain significance. Last evaluated: 2023-12-29. Review status: criteria provided, single submitter. Criteria: ACMG Guidelines, 2015. Collection method: clinical testing. Allele origin: germline.

Department of Pathology and Laboratory Medicine, Sinai Health System
Classification: Uncertain significance for Cataract 41; Type 2 diabetes mellitus; Wolfram syndrome 1; Autosomal dominant nonsyndromic hearing loss 6; Wolfram-like syndrome. Last evaluated: 2022-10-03. Review status: criteria provided, single submitter. Criteria: ACMG Guidelines, 2015. Collection method: research. Allele origin: germline.